The following is an entry in ClinVar:

ClinVar aggregate classification (germline): Uncertain significance (1 of 4 stars; one submission).

Conditions:
Intellectual developmental disorder, X-linked 1. Also called: Atkin Flaitz Patil Smith syndrome; Intellectual disability, X-linked 1; MENTAL RETARDATION, X-LINKED 18; MENTAL RETARDATION, X-LINKED 78. Identifiers: Orphanet 777, MedGen C2931498, MONDO:0010656, OMIM 309530.

Submission:

Labcorp Genetics (formerly Invitae), Labcorp
Classification: Uncertain significance for Intellectual developmental disorder, X-linked 1. Last evaluated: 2022-12-07. Review status: criteria provided, single submitter. Criteria: Invitae Variant Classification Sherloc (09022015). Collection method: clinical testing. Allele origin: germline.
Comment: In summary, the available evidence is currently insufficient to determine the role of this variant in disease. Therefore, it has been classified as a Variant of Uncertain Significance. Advanced modeling of protein sequence and biophysical properties (such as structural, functional, and spatial information, amino acid conservation, physicochemical variation, residue mobility, and thermodynamic stability) performed at Invitae indicates that this missense variant is not expected to disrupt IQSEC2 protein function. This variant has not been reported in the literature in individuals affected with IQSEC2-related conditions. This variant is not present in population databases (gnomAD no frequency). This sequence change replaces arginine, which is basic and polar, with glutamine, which is neutral and polar, at codon 80 of the IQSEC2 protein (p.Arg80Gln).

NM_001111125.3(IQSEC2):c.239G>A (p.Arg80Gln)

Gene: IQSEC2 (IQ motif and Sec7 domain ArfGEF 2; minus strand). Cytogenetic location: Xp11.22.
Variant type: single nucleotide variant.
Coding change: c.239G>A on transcript NM_001111125.3 (MANE Select); coding-DNA position 239, G replaced by A.
Protein change: p.Arg80Gln; replaces arginine 80 with glutamine.
Molecular consequence: missense variant.
Genome position (GRCh38, 1-based): chrX:53,320,885, C>T on the plus strand (G>A on the coding strand, the complement: IQSEC2 is on the minus strand). VCF-style: chrX-53320885-C-T. GRCh37 (hg19) VCF-style: chrX-53350083-C-T.
Other names: c.239G>A, p.Arg80Gln (NM_001410736.1); short protein forms R80Q.
Identifiers: ClinVar variation 2819002 (VCV002819002.3), dbSNP rs2075425096, ClinGen allele CA413239799.